The following is an entry in ClinVar:

ClinVar aggregate classification (germline): Uncertain significance (1 of 4 stars; one submission).

Conditions:
Inborn genetic diseases. Identifiers: MedGen C0950123, MeSH D030342.

Submission:

Ambry Genetics
Classification: Uncertain significance for Inborn genetic diseases. Last evaluated: 2026-04-12. Review status: criteria provided, single submitter. Criteria: Ambry Variant Classification Scheme 2023. Collection method: clinical testing. Allele origin: germline.
Comment: The p.I310F variant (also known as c.928A>T), located in coding exon 1 of the SAMD9 gene, results from an A to T substitution at nucleotide position 928. The isoleucine at codon 310 is replaced by phenylalanine, an amino acid with highly similar properties. This amino acid position is conserved. In addition, this alteration is predicted to be tolerated by in silico analysis. Based on the available evidence, the clinical significance of this variant remains unclear.

NM_017654.4(SAMD9):c.928A>T (p.Ile310Phe)

Gene: SAMD9 (sterile alpha motif domain containing 9; minus strand). Cytogenetic location: 7q21.2.
Variant type: single nucleotide variant.
Coding change: c.928A>T on transcript NM_017654.4 (MANE Select); coding-DNA position 928, A replaced by T.
Protein change: p.Ile310Phe; replaces isoleucine 310 with phenylalanine.
Molecular consequence: missense variant.
Genome position (GRCh38, 1-based): chr7:93,105,170, T>A on the plus strand (A>T on the coding strand, the complement: SAMD9 is on the minus strand). VCF-style: chr7-93105170-T-A. GRCh37 (hg19) VCF-style: chr7-92734483-T-A.
Other names: c.928A>T, p.Ile310Phe (NM_001193307.2); short protein forms I310F.
Identifiers: ClinVar variation 4863808 (VCV004863808.1).